The following is an entry in ClinVar:

ClinVar aggregate classification (germline): Pathogenic/Likely pathogenic. Review status: criteria provided, multiple submitters, no conflicts (2 of 4 stars). 2 submissions from 2 submitters: Pathogenic (1); Likely pathogenic (1). Last evaluated 2024-03-15.

Conditions:
Hereditary cancer-predisposing syndrome. Also called: Neoplastic Syndromes, Hereditary; Hereditary neoplastic syndrome; Hereditary Cancer Syndrome; Tumor predisposition. Identifiers: Orphanet 140162, MedGen C0027672, MeSH D009386, MONDO:0015356.
Familial cancer of breast. Also called: Hereditary breast cancer; BREAST CANCER, FAMILIAL; hereditary breast carcinoma. Identifiers: Orphanet 227535, MedGen C0346153, MONDO:0016419, OMIM 114480. Disease mechanism: loss of function.

Submissions (2):

Ambry Genetics
Classification: Pathogenic for Hereditary cancer-predisposing syndrome. Last evaluated: 2024-03-15. Review status: criteria provided, single submitter. Criteria: Ambry Variant Classification Scheme 2023. Collection method: clinical testing. Allele origin: germline.
Comment: The c.4801dupA pathogenic mutation, located in coding exon 31 of the ATM gene, results from a duplication of A at nucleotide position 4801, causing a translational frameshift with a predicted alternate stop codon (p.S1601Kfs*4). This alteration is expected to result in loss of function by premature protein truncation or nonsense-mediated mRNA decay. As such, this alteration is interpreted as a disease-causing mutation.

Laboratorio de Genetica e Diagnostico Molecular, Hospital Israelita Albert Einstein
Classification: Likely pathogenic for Familial cancer of breast. Last evaluated: 2023-01-13. Review status: criteria provided, single submitter. Criteria: ACMG Guidelines, 2015. Collection method: clinical testing. Allele origin: germline. Affected: yes. Observed: 1 variant allele.
Comment: ACMG classification criteria: PVS1 very strong, PM2 moderated

NM_000051.4(ATM):c.4801dup (p.Ser1601fs)

Gene: ATM (ATM serine/threonine kinase; plus strand). Cytogenetic location: 11q22.3.
Variant type: Duplication.
Coding change: c.4801dup on transcript NM_000051.4 (MANE Select); coding-DNA position 4801, one base duplicated (A; older notation c.4801dupA).
Protein change: p.Ser1601fs; shifts the reading frame from serine 1601.
Molecular consequence: frameshift variant.
Genome position (GRCh38, 1-based): chr11:108,294,951, A duplicated; the last of 2 consecutive A bases (chr11:108,294,950-108,294,951); duplicating either gives the same sequence. VCF-style (leftmost placement, unchanged base first): chr11-108294949-T-TA. GRCh37 (hg19) VCF-style: chr11-108165676-T-TA.
Other names: c.4801dup, p.Ser1601fs (NM_001351834.2); c.4801dupA (NM_000051.3); short protein forms S1601fs.
Identifiers: ClinVar variation 2431877 (VCV002431877.2), dbSNP rs2546942537, ClinGen allele CA645569714.